The following is an entry in ClinVar:

NM_000574.5(CD55):c.665-1G>A

Gene: CD55 (CD55 molecule (Cromer blood group); plus strand). Cytogenetic location: 1q32.2.
Variant type: single nucleotide variant.
Coding change: c.665-1G>A on transcript NM_000574.5 (MANE Select); the canonical splice acceptor site of the intron before coding-DNA position 665, G replaced by A.
Molecular consequence: splice acceptor variant.
Genome position (GRCh38, 1-based): chr1:207,331,107, G>A. VCF-style: chr1-207331107-G-A. GRCh37 (hg19) VCF-style: chr1-207504452-G-A.
Other names: c.665-1G>A (NM_001114752.3, NM_001300903.2, NM_001300904.2 and 1 more transcripts).
Identifiers: ClinVar variation 2135593 (VCV002135593.4), dbSNP rs2526964523, ClinGen allele CA344517531.

ClinVar aggregate classification (germline): Likely pathogenic (1 of 4 stars; one submission).

Submission:

Labcorp Genetics (formerly Invitae), Labcorp
Classification: Likely pathogenic. Last evaluated: 2022-05-08. Review status: criteria provided, single submitter. Criteria: Invitae Variant Classification Sherloc (09022015). Collection method: clinical testing. Allele origin: germline.
Comment: In summary, the currently available evidence indicates that the variant is pathogenic, but additional data are needed to prove that conclusively. Therefore, this variant has been classified as Likely Pathogenic. Algorithms developed to predict the effect of sequence changes on RNA splicing suggest that this variant may disrupt the consensus splice site. This variant has not been reported in the literature in individuals affected with CD55-related conditions. This variant is not present in population databases (gnomAD no frequency). This sequence change affects an acceptor splice site in intron 5 of the CD55 gene. It is expected to disrupt RNA splicing. Variants that disrupt the donor or acceptor splice site typically lead to a loss of protein function (PMID: 16199547), and loss-of-function variants in CD55 are known to be pathogenic (PMID: 28657829, 28657861).

Literature cited by the submitters: PubMed 16199547; PubMed 28657829; PubMed 28657861.